The following is an entry in ClinVar:

ClinVar aggregate classification (germline): Uncertain significance. Review status: criteria provided, multiple submitters, no conflicts (2 of 4 stars). 2 submissions from 2 submitters: Uncertain significance (2). Last evaluated 2025-08-08.

Conditions:
Inborn genetic diseases. Identifiers: MedGen C0950123, MeSH D030342.

Allele frequency attached by ClinVar (database versions not stated): TOPMed below 0.00001; gnomAD exomes 0.00001; ExAC 0.00002.
gnomAD v4.1: 9 of 1,614,166 alleles (0.00056%); highest among the groups gnomAD compares: Admixed American, 0.0033%; no homozygotes.

Submissions (2):

Ambry Genetics
Classification: Uncertain significance for Inborn genetic diseases. Last evaluated: 2025-08-08. Review status: criteria provided, single submitter. Criteria: Ambry Variant Classification Scheme 2023. Collection method: clinical testing. Allele origin: germline.

Labcorp Genetics (formerly Invitae), Labcorp
Classification: Uncertain significance. Last evaluated: 2023-11-19. Review status: criteria provided, single submitter. Criteria: Invitae Variant Classification Sherloc (09022015). Collection method: clinical testing. Allele origin: germline.
Comment: This sequence change replaces glutamic acid, which is acidic and polar, with lysine, which is basic and polar, at codon 183 of the GSN protein (p.Glu183Lys). This variant is present in population databases (rs762471492, gnomAD 0.006%). This variant has not been reported in the literature in individuals affected with GSN-related conditions. ClinVar contains an entry for this variant (Variation ID: 1504919). Advanced modeling of protein sequence and biophysical properties (such as structural, functional, and spatial information, amino acid conservation, physicochemical variation, residue mobility, and thermodynamic stability) performed at Invitae indicates that this missense variant is not expected to disrupt GSN protein function with a negative predictive value of 80%. In summary, the available evidence is currently insufficient to determine the role of this variant in disease. Therefore, it has been classified as a Variant of Uncertain Significance.

NM_198252.3(GSN):c.394G>A (p.Glu132Lys)

Gene: GSN (gelsolin; plus strand). Cytogenetic location: 9q33.2.
Variant type: single nucleotide variant.
Coding change: c.394G>A on transcript NM_198252.3 (MANE Select); coding-DNA position 394, G replaced by A.
Protein change: p.Glu132Lys; replaces glutamic acid 132 with lysine.
Molecular consequence: missense variant. On other transcripts: 5 prime UTR variant (1).
Genome position (GRCh38, 1-based): chr9:121,310,726, G>A. VCF-style: chr9-121310726-G-A. GRCh37 (hg19) VCF-style: chr9-124073004-G-A.
Other names: c.547G>A (NM_000177.4); c.547G>A, p.Glu183Lys (NM_000177.5); c.394G>A, p.Glu132Lys (NM_001127662.2, NM_001127664.2, NM_001127665.2 and 10 more transcripts); c.502G>A, p.Glu168Lys (NM_001127663.2); c.427G>A, p.Glu143Lys (NM_001127666.2, NM_001127667.2, NM_001353063.2 and 13 more transcripts); c.445G>A, p.Glu149Lys (NM_001258029.2); c.418G>A, p.Glu140Lys (NM_001258030.2); c.466G>A, p.Glu156Lys (NM_001353076.2); and 1 more; short protein forms E143K, E140K, E168K, E149K, E183K, E132K, E156K.
Identifiers: ClinVar variation 1504919 (VCV001504919.10), dbSNP rs762471492, ClinGen allele CA5220879.